The following is an entry in ClinVar:

NM_003680.4(YARS1):c.1451A>G (p.Lys484Arg)

Gene: YARS1 (tyrosyl-tRNA synthetase 1; minus strand). Cytogenetic location: 1p35.1.
Variant type: single nucleotide variant.
Coding change: c.1451A>G on transcript NM_003680.4 (MANE Select); coding-DNA position 1451, A replaced by G.
Protein change: p.Lys484Arg; replaces lysine 484 with arginine.
Molecular consequence: missense variant.
Genome position (GRCh38, 1-based): chr1:32,779,407, T>C on the plus strand (A>G on the coding strand, the complement: YARS1 is on the minus strand). VCF-style: chr1-32779407-T-C. GRCh37 (hg19) VCF-style: chr1-33245008-T-C.
Other names: short protein forms K484R.
Identifiers: ClinVar variation 2723543 (VCV002723543.4), dbSNP rs2523349058, ClinGen allele CA339680193.

ClinVar aggregate classification (germline): Uncertain significance. Review status: criteria provided, multiple submitters, no conflicts (2 of 4 stars). 2 submissions from 2 submitters: Uncertain significance (2). Last evaluated 2025-02-22.

Conditions:
Inborn genetic diseases. Identifiers: MedGen C0950123, MeSH D030342.
Charcot-Marie-Tooth disease dominant intermediate C (CMTDIC). Also called: CHARCOT-MARIE-TOOTH NEUROPATHY, DOMINANT INTERMEDIATE C. Identifiers: Orphanet 100045, MedGen C1842237, MONDO:0012012, OMIM 608323.

gnomAD v4.1: 1 of 1,614,218 alleles (0.000062%); no homozygotes.

Submissions (2):

Ambry Genetics
Classification: Uncertain significance for Inborn genetic diseases. Last evaluated: 2025-02-22. Review status: criteria provided, single submitter. Criteria: Ambry Variant Classification Scheme 2023. Collection method: clinical testing. Allele origin: germline.

Labcorp Genetics (formerly Invitae), Labcorp
Classification: Uncertain significance for Charcot-Marie-Tooth disease dominant intermediate C. Last evaluated: 2023-12-15. Review status: criteria provided, single submitter. Criteria: Invitae Variant Classification Sherloc (09022015). Collection method: clinical testing. Allele origin: germline.
Comment: This sequence change replaces lysine, which is basic and polar, with arginine, which is basic and polar, at codon 484 of the YARS protein (p.Lys484Arg). This variant is not present in population databases (gnomAD no frequency). This variant has not been reported in the literature in individuals affected with YARS-related conditions. Advanced modeling of protein sequence and biophysical properties (such as structural, functional, and spatial information, amino acid conservation, physicochemical variation, residue mobility, and thermodynamic stability) performed at Invitae indicates that this missense variant is expected to disrupt YARS protein function with a positive predictive value of 80%. In summary, the available evidence is currently insufficient to determine the role of this variant in disease. Therefore, it has been classified as a Variant of Uncertain Significance.